The following is an entry in ClinVar:

ClinVar aggregate classification (germline): Uncertain significance (1 of 4 stars; one submission).

Conditions:
Cornelia de Lange syndrome 5 (CDLS5). Also called: HDAC8-Related Cornelia de Lange Syndrome. Identifiers: Orphanet 199, MedGen C3550903, MONDO:0010471, OMIM 300882.

Submission:

Labcorp Genetics (formerly Invitae), Labcorp
Classification: Uncertain significance for Cornelia de Lange syndrome 5. Last evaluated: 2025-12-02. Review status: criteria provided, single submitter. Criteria: Invitae Variant Classification Sherloc (09022015). Collection method: clinical testing. Allele origin: germline.
Comment: This sequence change affects codon 246 of the HDAC8 mRNA. It is a 'silent' change, meaning that it does not change the encoded amino acid sequence of the HDAC8 protein. It affects a nucleotide within the consensus splice site. This variant is not present in population databases (gnomAD no frequency). This variant has not been reported in the literature in individuals affected with HDAC8-related conditions. Algorithms developed to predict the effect of sequence changes on RNA splicing suggest that this variant is not likely to affect RNA splicing. In summary, the available evidence is currently insufficient to determine the role of this variant in disease. Therefore, it has been classified as a Variant of Uncertain Significance.

NM_018486.3(HDAC8):c.738T>C (p.Ser246=)

Gene: HDAC8 (histone deacetylase 8; minus strand). Cytogenetic location: Xq13.1.
Variant type: single nucleotide variant.
Coding change: c.738T>C on transcript NM_018486.3 (MANE Select); coding-DNA position 738, T replaced by C.
Protein change: p.Ser246=; no amino-acid change (serine 246 retained).
Molecular consequence: synonymous variant. On other transcripts: non-coding transcript variant (5).
Genome position (GRCh38, 1-based): chrX:72,464,731, A>G on the plus strand (T>C on the coding strand, the complement: HDAC8 is on the minus strand). VCF-style: chrX-72464731-A-G. GRCh37 (hg19) VCF-style: chrX-71684581-A-G.
Other names: c.465T>C, p.Ser155= (NM_001166418.2, NM_001410728.1); c.738T>C, p.Ser246= (NM_001410725.1, NM_001410729.1); c.660T>C, p.Ser220= (NM_001410727.1); c.438T>C, p.Asn146= (NM_001441234.1).
Identifiers: ClinVar variation 4804033 (VCV004804033.1).